The following is an entry in ClinVar:

ClinVar aggregate classification (germline): Uncertain significance (1 of 4 stars; one submission).

Conditions:
Spastic paraplegia. Identifiers: MedGen C0037772, HP:0001258.

Submission:

Labcorp Genetics (formerly Invitae), Labcorp
Classification: Uncertain significance for Spastic paraplegia. Last evaluated: 2024-11-05. Review status: criteria provided, single submitter. Criteria: Invitae Variant Classification Sherloc (09022015). Collection method: clinical testing. Allele origin: germline.
Comment: This sequence change replaces aspartic acid, which is acidic and polar, with glutamic acid, which is acidic and polar, at codon 88 of the HSPD1 protein (p.Asp88Glu). This variant is not present in population databases (gnomAD no frequency). This variant has not been reported in the literature in individuals affected with HSPD1-related conditions. ClinVar contains an entry for this variant (Variation ID: 1401648). Invitae Evidence Modeling of protein sequence and biophysical properties (such as structural, functional, and spatial information, amino acid conservation, physicochemical variation, residue mobility, and thermodynamic stability) indicates that this missense variant is not expected to disrupt HSPD1 protein function with a negative predictive value of 80%. In summary, the available evidence is currently insufficient to determine the role of this variant in disease. Therefore, it has been classified as a Variant of Uncertain Significance.

NM_002156.5(HSPD1):c.264T>G (p.Asp88Glu)

Gene: HSPD1 (heat shock protein family D (Hsp60) member 1; minus strand). Cytogenetic location: 2q33.1.
Variant type: single nucleotide variant.
Coding change: c.264T>G on transcript NM_002156.5 (MANE Select); coding-DNA position 264, T replaced by G.
Protein change: p.Asp88Glu; replaces aspartic acid 88 with glutamic acid.
Molecular consequence: missense variant.
Genome position (GRCh38, 1-based): chr2:197,497,303, A>C on the plus strand (T>G on the coding strand, the complement: HSPD1 is on the minus strand). VCF-style: chr2-197497303-A-C. GRCh37 (hg19) VCF-style: chr2-198362027-A-C.
Other names: c.264T>G, p.Asp88Glu (NM_199440.2); short protein forms D88E.
Identifiers: ClinVar variation 1401648 (VCV001401648.8), dbSNP rs747360903, ClinGen allele CA350203821.